The following is an entry in ClinVar:

ClinVar aggregate classification (germline): Benign/Likely benign. Review status: criteria provided, multiple submitters, no conflicts (2 of 4 stars). 3 submissions from 3 submitters: Benign (1); Likely benign (2). Last evaluated 2025-06-22.

Conditions:
Hereditary cancer-predisposing syndrome. Also called: Tumor predisposition; Hereditary Cancer Syndrome; Neoplastic Syndromes, Hereditary; Hereditary neoplastic syndrome. Identifiers: Orphanet 140162, MedGen C0027672, MeSH D009386, MONDO:0015356.
Birt-Hogg-Dube syndrome. Also called: Birt Hogg Dubé syndrome. Identifiers: Orphanet 122, MedGen C0346010, MONDO:0800444.
Birt-Hogg-Dube syndrome 1 (BHD1). Also called: FIBROFOLLICULOMAS WITH TRICHODISCOMAS AND ACROCHORDONS. Identifiers: Orphanet 122, MedGen CN375946, MONDO:0800445, OMIM 135150.

Allele frequency attached by ClinVar (database versions not stated): gnomAD exomes 0.00001.
gnomAD v4.1: 11 of 1,614,188 alleles (0.00068%); highest among the groups gnomAD compares: Non-Finnish European, 0.00093%; no homozygotes.

Submissions (3):

Labcorp Genetics (formerly Invitae), Labcorp
Classification: Likely benign for Birt-Hogg-Dube syndrome. Last evaluated: 2025-06-22. Review status: criteria provided, single submitter. Criteria: Invitae Variant Classification Sherloc (09022015). Collection method: clinical testing. Allele origin: germline.

Myriad Genetics, Inc.
Classification: Benign for Birt-Hogg-Dube syndrome 1. Last evaluated: 2024-10-28. Review status: criteria provided, single submitter. Criteria: Myriad Autosomal Dominant, Autosomal Recessive and X-Linked Classification Criteria (2023). Collection method: clinical testing. Allele origin: unknown.
Comment: This variant is considered benign. This variant is a silent/synonymous amino acid change and it is not expected to impact splicing.

Ambry Genetics
Classification: Likely benign for Hereditary cancer-predisposing syndrome. Last evaluated: 2021-11-23. Review status: criteria provided, single submitter. Criteria: Ambry Variant Classification Scheme 2023. Collection method: clinical testing. Allele origin: germline.

NM_144997.7(FLCN):c.1707C>T (p.Val569=)

Gene: FLCN (folliculin; minus strand). Cytogenetic location: 17p11.2.
Variant type: single nucleotide variant.
Coding change: c.1707C>T on transcript NM_144997.7 (MANE Select); coding-DNA position 1707, C replaced by T.
Protein change: p.Val569=; no amino-acid change (valine 569 retained).
Molecular consequence: synonymous variant.
Genome position (GRCh38, 1-based): chr17:17,213,688, G>A on the plus strand (C>T on the coding strand, the complement: FLCN is on the minus strand). VCF-style: chr17-17213688-G-A. GRCh37 (hg19) VCF-style: chr17-17117002-G-A.
Other names: c.1761C>T, p.Val587= (NM_001353229.2); c.1707C>T, p.Val569= (NM_001353230.2, NM_001353231.2).
Identifiers: ClinVar variation 749853 (VCV000749853.10), dbSNP rs1597573624, ClinGen allele CA498163027.